The following is an entry in ClinVar:

NM_138694.4(PKHD1):c.11612G>A (p.Trp3871Ter)

Gene: PKHD1 (PKHD1 ciliary IPT domain containing fibrocystin/polyductin; minus strand). Cytogenetic location: 6p12.3.
Variant type: single nucleotide variant.
Coding change: c.11612G>A on transcript NM_138694.4 (MANE Select); coding-DNA position 11612, G replaced by A.
Protein change: p.Trp3871Ter; replaces tryptophan 3871 with a stop codon.
Molecular consequence: nonsense.
Genome position (GRCh38, 1-based): chr6:51,632,618, C>T on the plus strand (G>A on the coding strand, the complement: PKHD1 is on the minus strand). VCF-style: chr6-51632618-C-T. GRCh37 (hg19) VCF-style: chr6-51497416-C-T.
Other names: short protein forms W3871*.
Identifiers: ClinVar variation 458588 (VCV000458588.12), dbSNP rs1554167673, ClinGen allele CA364420082.

ClinVar aggregate classification (germline): Pathogenic. Review status: criteria provided, multiple submitters, no conflicts (2 of 4 stars). 3 submissions from 3 submitters: Pathogenic (2). 1 of the submissions does not count toward it. Last evaluated 2024-02-24.

Conditions:
Polycystic kidney disease 4 (PKD4). Also called: POLYCYSTIC KIDNEY AND HEPATIC DISEASE 1; POLYCYSTIC KIDNEY DISEASE, INFANTILE, TYPE I; POLYCYSTIC KIDNEY DISEASE 4 WITH OR WITHOUT POLYCYSTIC LIVER DISEASE; Autosomal Recessive Polycystic Kidney Disease – PKHD1; PKD3. Identifiers: MedGen C4540575, MONDO:0033004, OMIM 263200.
Autosomal recessive polycystic kidney disease (ARPKD). Also called: AR polycystic kidney disease. Identifiers: Orphanet 731, Orphanet 8378, MedGen C0085548, MeSH D017044, MONDO:0009889.

Allele frequency attached by ClinVar (database versions not stated): gnomAD exomes below 0.00001.
gnomAD v4.1: 2 of 1,613,516 alleles (0.00012%); highest among the groups gnomAD compares: Non-Finnish European, 0.00017%; no homozygotes.

Submissions (3):

Baylor Genetics
Classification: Pathogenic for Polycystic kidney disease 4. Last evaluated: 2024-02-24. Review status: criteria provided, single submitter. Criteria: ACMG Guidelines, 2015. Collection method: clinical testing. Allele origin: unknown.

Labcorp Genetics (formerly Invitae), Labcorp
Classification: Pathogenic for Autosomal recessive polycystic kidney disease. Last evaluated: 2023-01-20. Review status: criteria provided, single submitter. Criteria: Invitae Variant Classification Sherloc (09022015). Collection method: clinical testing. Allele origin: germline.
Comment: For these reasons, this variant has been classified as Pathogenic. ClinVar contains an entry for this variant (Variation ID: 458588). This premature translational stop signal has been observed in individual(s) with polycystic kidney disease (PMID: 11919560). This variant is not present in population databases (gnomAD no frequency). This sequence change creates a premature translational stop signal (p.Trp3871*) in the PKHD1 gene. It is expected to result in an absent or disrupted protein product. Loss-of-function variants in PKHD1 are known to be pathogenic (PMID: 19940839).

Counsyl
Classification: Pathogenic for Polycystic kidney disease 4. Last evaluated: 2017-07-11. Review status: no assertion criteria provided. Collection method: clinical testing. Allele origin: unknown. Not counted in ClinVar's aggregate classification.

Literature cited by the submitters: PubMed 11919560 (cited by Labcorp Genetics (formerly Invitae), Labcorp and Counsyl); PubMed 19940839 (cited by Labcorp Genetics (formerly Invitae), Labcorp); PubMed 15805161 (cited by Counsyl).